The following is an entry in ClinVar:

ClinVar aggregate classification (germline): Uncertain significance. Review status: criteria provided, multiple submitters, no conflicts (2 of 4 stars). 3 submissions from 3 submitters: Uncertain significance (3). Last evaluated 2024-06-28.

Conditions:
Hereditary cancer-predisposing syndrome. Also called: Neoplastic Syndromes, Hereditary; Hereditary neoplastic syndrome; Tumor predisposition; Hereditary Cancer Syndrome. Identifiers: Orphanet 140162, MedGen C0027672, MeSH D009386, MONDO:0015356.
Familial adenomatous polyposis 1 (FAP1). Also called: FAMILIAL ADENOMATOUS POLYPOSIS 1, ATTENUATED; POLYPOSIS, ADENOMATOUS INTESTINAL. Identifiers: MedGen C2713442, MONDO:0021056, OMIM 175100. Disease mechanism: loss of function.

Submissions (3):

Labcorp Genetics (formerly Invitae), Labcorp
Classification: Uncertain significance for Familial adenomatous polyposis 1. Last evaluated: 2024-06-28. Review status: criteria provided, single submitter. Criteria: Invitae Variant Classification Sherloc (09022015). Collection method: clinical testing. Allele origin: germline.
Comment: This sequence change replaces glycine, which is neutral and non-polar, with aspartic acid, which is acidic and polar, at codon 2164 of the APC protein (p.Gly2164Asp). This variant is not present in population databases (gnomAD no frequency). This variant has not been reported in the literature in individuals affected with APC-related conditions. ClinVar contains an entry for this variant (Variation ID: 619610). Advanced modeling of protein sequence and biophysical properties (such as structural, functional, and spatial information, amino acid conservation, physicochemical variation, residue mobility, and thermodynamic stability) performed at Invitae indicates that this missense variant is not expected to disrupt APC protein function with a negative predictive value of 95%. In summary, the available evidence is currently insufficient to determine the role of this variant in disease. Therefore, it has been classified as a Variant of Uncertain Significance.

Ambry Genetics
Classification: Uncertain significance for Hereditary cancer-predisposing syndrome. Last evaluated: 2023-12-12. Review status: criteria provided, single submitter. Criteria: Ambry Variant Classification Scheme 2023. Collection method: clinical testing. Allele origin: germline.
Comment: The p.G2164D variant (also known as c.6491G>A), located in coding exon 15 of the APC gene, results from a G to A substitution at nucleotide position 6491. The glycine at codon 2164 is replaced by aspartic acid, an amino acid with similar properties. This amino acid position is highly conserved in available vertebrate species. In addition, in silico predictors for this gene do not accurately predict pathogenicity. Since supporting evidence is limited at this time, the clinical significance of this alteration remains unclear.

Quest Diagnostics Nichols Institute San Juan Capistrano
Classification: Uncertain significance. Last evaluated: 2018-01-05. Review status: criteria provided, single submitter. Criteria: Quest Diagnostics criteria. Collection method: clinical testing. Allele origin: germline.

NM_000038.6(APC):c.6491G>A (p.Gly2164Asp)

Gene: APC (APC regulator of Wnt signaling pathway; plus strand). Cytogenetic location: 5q22.2.
Variant type: single nucleotide variant.
Coding change: c.6491G>A on transcript NM_000038.6 (MANE Select); coding-DNA position 6491, G replaced by A.
Protein change: p.Gly2164Asp; replaces glycine 2164 with aspartic acid.
Molecular consequence: missense variant.
Genome position (GRCh38, 1-based): chr5:112,842,085, G>A. VCF-style: chr5-112842085-G-A. GRCh37 (hg19) VCF-style: chr5-112177782-G-A.
Other names: c.6491G>A, p.Gly2164Asp (NM_001127510.3, NM_001354895.2); c.6437G>A, p.Gly2146Asp (NM_001127511.3); c.6545G>A, p.Gly2182Asp (NM_001354896.2); c.6521G>A, p.Gly2174Asp (NM_001354897.2); c.6416G>A, p.Gly2139Asp (NM_001354898.2); c.6407G>A, p.Gly2136Asp (NM_001354899.2); c.6368G>A, p.Gly2123Asp (NM_001354900.2); c.6314G>A, p.Gly2105Asp (NM_001354901.2); and 5 more; short protein forms G2146D, G2164D, G1881D, G2073D, G2174D, G2038D, G2136D, G2182D.
Identifiers: ClinVar variation 619610 (VCV000619610.51), dbSNP rs1490726940, ClinGen allele CA16035539.